The following is an entry in ClinVar:

NM_031448.6(C19orf12):c.10A>G (p.Met4Val)

Gene: C19orf12 (chromosome 19 open reading frame 12; minus strand). Cytogenetic location: 19q12.
Variant type: single nucleotide variant.
Coding change: c.10A>G on transcript NM_031448.6 (MANE Select); coding-DNA position 10, A replaced by G.
Protein change: p.Met4Val; replaces methionine 4 with valine.
Molecular consequence: missense variant. On other transcripts: 5 prime UTR variant (1), intron variant (2).
Genome position (GRCh38, 1-based): chr19:29,708,404, T>C on the plus strand (A>G on the coding strand, the complement: C19orf12 is on the minus strand). VCF-style: chr19-29708404-T-C. GRCh37 (hg19) VCF-style: chr19-30199311-T-C.
Other names: c.10A>G, p.Met4Val (NM_001031726.4, NM_001256046.3, NM_001256047.2); c.-304A>G (NM_001282931.3); c.-32-5427A>G (NM_001282929.1, NM_001282930.3); short protein forms M4V.
Identifiers: ClinVar variation 2750250 (VCV002750250.3), dbSNP rs2513300766, ClinGen allele CA405145877.

ClinVar aggregate classification (germline): Uncertain significance (1 of 4 stars; one submission).

Conditions:
Hereditary spastic paraplegia 43. Also called: Spastic paraplegia 43, autosomal recessive. Identifiers: Orphanet 320370, MedGen C2680446, MONDO:0014024, OMIM 615043.

Allele frequency attached by ClinVar (database versions not stated): gnomAD exomes below 0.00001.

Submission:

Labcorp Genetics (formerly Invitae), Labcorp
Classification: Uncertain significance for Hereditary spastic paraplegia 43. Last evaluated: 2025-06-12. Review status: criteria provided, single submitter. Criteria: Invitae Variant Classification Sherloc (09022015). Collection method: clinical testing. Allele origin: germline.
Comment: This sequence change replaces methionine, which is neutral and non-polar, with valine, which is neutral and non-polar, at codon 15 of the C19orf12 protein (p.Met15Val). This variant is not present in population databases (gnomAD no frequency). This variant has not been reported in the literature in individuals affected with C19orf12-related conditions. ClinVar contains an entry for this variant (Variation ID: 2750250). An algorithm developed to predict the effect of missense changes on protein structure and function outputs the following: PolyPhen-2: "Benign". The valine amino acid residue is found in multiple mammalian species, which suggests that this missense change does not adversely affect protein function. In summary, the available evidence is currently insufficient to determine the role of this variant in disease. Therefore, it has been classified as a Variant of Uncertain Significance.